The following is an entry in ClinVar:

NM_005475.3(SH2B3):c.823T>A (p.Phe275Ile)

Gene: SH2B3 (SH2B adaptor protein 3; plus strand). Cytogenetic location: 12q24.12.
Variant type: single nucleotide variant.
Coding change: c.823T>A on transcript NM_005475.3 (MANE Select); coding-DNA position 823, T replaced by A.
Protein change: p.Phe275Ile; replaces phenylalanine 275 with isoleucine.
Molecular consequence: missense variant.
Genome position (GRCh38, 1-based): chr12:111,446,843, T>A. VCF-style: chr12-111446843-T-A. GRCh37 (hg19) VCF-style: chr12-111884647-T-A.
Other names: c.217T>A, p.Phe73Ile (NM_001291424.1); short protein forms F73I, F275I.
Identifiers: ClinVar variation 4826767 (VCV004826767.1).
Genomic context (GRCh38, chr12:111,446,843, plus strand): 5'-TCCAGCATCCAGGAGGTCCGGTGGTGCACACGGCTTGAGATGCCTGACAACCTTTACACC[T>A]TTGTGCTGAAGGTGAGTGACAAGGCTTTTCACACCCTGGGGCAATACAAATACATACACA-3'
Protein context (NP_005466.1, residues 265-285): RLEMPDNLYT[Phe275Ile]VLKVKDRTDI

ClinVar aggregate classification (germline): Uncertain significance (1 of 4 stars; one submission).

Conditions:
Inborn genetic diseases. Identifiers: MedGen C0950123, MeSH D030342.

gnomAD v4.1: 1 of 1,602,406 alleles (0.000062%); highest among the groups gnomAD compares: East Asian, 0.0022%; no homozygotes.

Submission:

Ambry Genetics
Classification: Uncertain significance for Inborn genetic diseases. Last evaluated: 2026-02-23. Review status: criteria provided, single submitter. Criteria: Ambry Variant Classification Scheme 2023. Collection method: clinical testing. Allele origin: germline.
Comment: The p.F275I variant (also known as c.823T>A), located in coding exon 2 of the SH2B3 gene, results from a T to A substitution at nucleotide position 823. The phenylalanine at codon 275 is replaced by isoleucine, an amino acid with highly similar properties. This amino acid position is conserved. In addition, the in silico prediction for this alteration is inconclusive. Based on the available evidence, the clinical significance of this variant remains unclear.